The following is an entry in ClinVar:

NM_000376.3(VDR):c.239G>A (p.Arg80Gln)

Gene: VDR (vitamin D receptor; minus strand). Cytogenetic location: 12q13.11.
Variant type: single nucleotide variant.
Coding change: c.239G>A on transcript NM_000376.3 (MANE Select); coding-DNA position 239, G replaced by A.
Protein change: p.Arg80Gln; replaces arginine 80 with glutamine.
Molecular consequence: missense variant.
Genome position (GRCh38, 1-based): chr12:47,865,085, C>T on the plus strand (G>A on the coding strand, the complement: VDR is on the minus strand). VCF-style: chr12-47865085-C-T. GRCh37 (hg19) VCF-style: chr12-48258868-C-T.
Other names: R77Q; c.239G>A, p.Arg80Gln (NM_001017535.2, NM_001364085.2, NM_001374661.1 and 1 more transcripts); c.389G>A, p.Arg130Gln (NM_001017536.2); short protein forms R80Q, R130Q.
Identifiers: ClinVar variation 7749 (VCV000007749.7), dbSNP rs121909793, ClinGen allele CA119026.

ClinVar aggregate classification (germline): Conflicting classifications of pathogenicity. Review status: criteria provided, conflicting classifications (1 of 4 stars). 3 submissions from 3 submitters: Pathogenic (1); Uncertain significance (1). 1 of the submissions does not count toward it. Last evaluated 2024-03-25.

Conditions:
Vitamin D-dependent rickets type II with alopecia (VDDR2A). Also called: GENERALIZED RESISTANCE TO 1,25-DIHYDROXYVITAMIN D; HYPOCALCEMIC VITAMIN D-RESISTANT RICKETS; VITAMIN D-DEPENDENT RICKETS, TYPE 2A, WITH OR WITHOUT ALOPECIA; VITAMIN D-RESISTANT RICKETS WITH END-ORGAN UNRESPONSIVENESS TO 1,25-DIHYDROXYCHOLECALCIFEROL; PDDR IIA; PSEUDOVITAMIN D-DEFICIENCY, TYPE IIA. Identifiers: Orphanet 93160, MedGen C0342646, MONDO:0010186, OMIM 277440.

Allele frequency attached by ClinVar (database versions not stated): gnomAD exomes below 0.00001; TOPMed below 0.00001; ExAC 0.00001.
gnomAD v4.1: 6 of 1,613,934 alleles (0.00037%); highest among the groups gnomAD compares: East Asian, 0.0022%; no homozygotes.

Submissions (3):

Genomic Medicine Center of Excellence, King Faisal Specialist Hospital and Research Centre
Classification: Uncertain significance for Vitamin D-dependent rickets type II with alopecia. Last evaluated: 2024-03-25. Review status: criteria provided, single submitter. Criteria: ACMG Guidelines, 2015. Collection method: research. Allele origin: germline.

Labcorp Genetics (formerly Invitae), Labcorp
Classification: Pathogenic. Last evaluated: 2023-10-14. Review status: criteria provided, single submitter. Criteria: Invitae Variant Classification Sherloc (09022015). Collection method: clinical testing. Allele origin: germline.
Comment: This sequence change replaces arginine, which is basic and polar, with glutamine, which is neutral and polar, at codon 80 of the VDR protein (p.Arg80Gln). This variant is not present in population databases (gnomAD no frequency). This missense change has been observed in individual(s) with vitamin D-dependent rickets (PMID: 2177843, 24246681). This variant is also known as 327G>A (Arg77Gln). ClinVar contains an entry for this variant (Variation ID: 7749). Advanced modeling of protein sequence and biophysical properties (such as structural, functional, and spatial information, amino acid conservation, physicochemical variation, residue mobility, and thermodynamic stability) performed at Invitae indicates that this missense variant is expected to disrupt VDR protein function. Experimental studies have shown that this missense change affects VDR function (PMID: 2177843). For these reasons, this variant has been classified as Pathogenic.

OMIM
Classification: Pathogenic for VITAMIN D-DEPENDENT RICKETS, TYPE 2A. Last evaluated: 1990-04-01. Review status: no assertion criteria provided. Collection method: literature only. Allele origin: germline. Not counted in ClinVar's aggregate classification.

Literature cited by the submitters: PubMed 2177843 (cited by Labcorp Genetics (formerly Invitae), Labcorp and OMIM); PubMed 24246681 (cited by Labcorp Genetics (formerly Invitae), Labcorp).